The following is an entry in ClinVar:

NM_002878.4(RAD51D):c.204C>A (p.Gly68=)

Genes: RAD51L3-RFFL (RAD51L3-RFFL readthrough; minus strand), RAD51D (RAD51 paralog D; minus strand). Cytogenetic location: 17q12.
Variant type: single nucleotide variant.
Coding change: c.204C>A on transcript NM_002878.4 (MANE Select); coding-DNA position 204, C replaced by A.
Protein change: p.Gly68=; no amino-acid change (glycine 68 retained).
Molecular consequence: synonymous variant. On other transcripts: intron variant (2).
Genome position (GRCh38, 1-based): chr17:35,118,560, G>T on the plus strand (C>A on the coding strand, the complement: RAD51D is on the minus strand). VCF-style: chr17-35118560-G-T. GRCh37 (hg19) VCF-style: chr17-33445579-G-T.
Other names: c.144+551C>A (NM_133629.3, NM_001142571.2).
Identifiers: ClinVar variation 184660 (VCV000184660.17), dbSNP rs764351040, ClinGen allele CA189620.

ClinVar aggregate classification (germline): Benign/Likely benign. Review status: criteria provided, multiple submitters, no conflicts (2 of 4 stars). 3 submissions from 3 submitters: Benign (1); Likely benign (2). Last evaluated 2025-06-08.

Conditions:
Hereditary cancer-predisposing syndrome. Also called: Hereditary neoplastic syndrome; Neoplastic Syndromes, Hereditary; Tumor predisposition; Hereditary Cancer Syndrome. Identifiers: Orphanet 140162, MedGen C0027672, MeSH D009386, MONDO:0015356.
Breast-ovarian cancer, familial, susceptibility to, 4. Identifiers: Orphanet 145, MedGen C3280345, MONDO:0013669, OMIM 614291.

Allele frequency attached by ClinVar (database versions not stated): gnomAD exomes below 0.00001; ExAC 0.00001; TOPMed 0.00001.
gnomAD v4.1: 3 of 1,614,020 alleles (0.00019%); highest among the groups gnomAD compares: Non-Finnish European, 0.00025%; no homozygotes.

Submissions (3):

Labcorp Genetics (formerly Invitae), Labcorp
Classification: Likely benign for Breast-ovarian cancer, familial, susceptibility to, 4. Last evaluated: 2025-06-08. Review status: criteria provided, single submitter. Criteria: Invitae Variant Classification Sherloc (09022015). Collection method: clinical testing. Allele origin: germline.

Myriad Genetics, Inc.
Classification: Benign for Breast-ovarian cancer, familial, susceptibility to, 4. Last evaluated: 2025-02-20. Review status: criteria provided, single submitter. Criteria: Myriad Autosomal Dominant, Autosomal Recessive and X-Linked Classification Criteria (2023). Collection method: clinical testing. Allele origin: unknown.
Comment: This variant is considered benign. This variant is a silent/synonymous amino acid change and it is not expected to impact splicing.

Ambry Genetics
Classification: Likely benign for Hereditary cancer-predisposing syndrome. Last evaluated: 2016-11-01. Review status: criteria provided, single submitter. Criteria: Ambry Variant Classification Scheme 2023. Collection method: clinical testing. Allele origin: germline.